The following is an entry in ClinVar:

ClinVar aggregate classification (germline): Conflicting classifications of pathogenicity. Review status: criteria provided, conflicting classifications (1 of 4 stars). 5 submissions from 5 submitters: Uncertain significance (1); Likely benign (4). Last evaluated 2026-01-23.

Conditions:
DNMT3A-related disorder. Also called: DNMT3A-related condition; DNMT3A-related disorders.
Tatton-Brown-Rahman overgrowth syndrome. Also called: Tall stature-intellectual disability-facial dysmorphism syndrome; Tatton-Brown-Rahman syndrome. Identifiers: Orphanet 404443, MedGen C4014545, MONDO:0014382, OMIM 615879.

Allele frequency attached by ClinVar (database versions not stated): ESP Exome Variant Server 0.00015; gnomAD exomes 0.00027; ExAC 0.00039.
gnomAD v4.1: 221 of 1,614,000 alleles (0.014%); highest among the groups gnomAD compares: Non-Finnish European, 0.013%; no homozygotes.

Submissions (5):

PreventionGenetics, part of Exact Sciences
Classification: Uncertain significance for DNMT3A-related condition. Last evaluated: 2026-01-23. Review status: criteria provided, single submitter. Criteria: ACMG Guidelines, 2015. Collection method: clinical testing. Allele origin: germline.
Comment: The DNMT3A c.1385C>T variant is predicted to result in the amino acid substitution p.Ala462Val. This variant was reported in a sample from a central nervous system tumor in a patient with a cancer of unknown primary origin (Bakow et al. 2020. PubMed ID: 32310333). This variant is reported in 0.072% of alleles in individuals of European (Finnish) descent in gnomAD, which might be too common to be a primary cause of autosomal dominant disease. While we suspect that this variant may be benign, at this time, the clinical significance of this variant is uncertain due to the absence of conclusive functional and genetic evidence.

Labcorp Genetics (formerly Invitae), Labcorp
Classification: Likely benign for Tatton-Brown-Rahman overgrowth syndrome. Last evaluated: 2025-10-28. Review status: criteria provided, single submitter. Criteria: Invitae Variant Classification Sherloc (09022015). Collection method: clinical testing. Allele origin: germline.

Laboratory of Genetics, Children's Clinical University Hospital Latvia
Classification: Likely benign. Last evaluated: 2025-02-16. Review status: criteria provided, single submitter. Criteria: ACMG Guidelines, 2015. Collection method: clinical testing. Allele origin: germline. Affected: yes.

Blueprint Genetics
Classification: Likely benign. Last evaluated: 2023-09-19. Review status: criteria provided, single submitter. Criteria: ACMG Guidelines, 2015. Collection method: clinical testing. Allele origin: germline.

Genetic Services Laboratory, University of Chicago
Classification: Likely benign. Last evaluated: 2019-01-15. Review status: criteria provided, single submitter. Criteria: ACMG Guidelines, 2015. Collection method: clinical testing. Allele origin: germline. Affected: no.

NM_022552.5(DNMT3A):c.1385C>T (p.Ala462Val)

Gene: DNMT3A (DNA methyltransferase 3 alpha; minus strand). Cytogenetic location: 2p23.3.
Variant type: single nucleotide variant.
Coding change: c.1385C>T on transcript NM_022552.5 (MANE Select); coding-DNA position 1385, C replaced by T.
Protein change: p.Ala462Val; replaces alanine 462 with valine.
Molecular consequence: missense variant. On other transcripts: non-coding transcript variant (1).
Genome position (GRCh38, 1-based): chr2:25,246,204, G>A on the plus strand (C>T on the coding strand, the complement: DNMT3A is on the minus strand). VCF-style: chr2-25246204-G-A. GRCh37 (hg19) VCF-style: chr2-25469073-G-A.
Other names: c.929C>T, p.Ala310Val (NM_001320893.1); c.716C>T, p.Ala239Val (NM_001375819.1); c.818C>T, p.Ala273Val (NM_153759.3); c.1385C>T, p.Ala462Val (NM_175629.2); short protein forms A239V, A273V, A310V, A462V.
Identifiers: ClinVar variation 1337006 (VCV001337006.13), dbSNP rs200845575, ClinGen allele CA1556047.